The following is an entry in ClinVar:

ClinVar aggregate classification (germline): Uncertain significance. Review status: criteria provided, multiple submitters, no conflicts (2 of 4 stars). 3 submissions from 3 submitters: Uncertain significance (3). Last evaluated 2026-05-29.

Conditions:
BBS9-related disorder. Also called: BBS9-related condition.
Bardet-Biedl syndrome 9 (BBS9). Identifiers: Orphanet 110, MedGen C1859567, MONDO:0014437, OMIM 615986.
Bardet-Biedl syndrome (BBS). Identifiers: Orphanet 110, MedGen C0752166, MONDO:0015229.

Allele frequency attached by ClinVar (database versions not stated): ExAC 0.00001; gnomAD 0.00001; gnomAD exomes 0.00001; TOPMed 0.00003.
gnomAD v4.1: 13 of 1,612,508 alleles (0.00081%); highest among the groups gnomAD compares: African/African-American, 0.004%; no homozygotes.

Submissions (3):

PreventionGenetics, part of Exact Sciences
Classification: Uncertain significance for BBS9-related condition. Last evaluated: 2026-05-29. Review status: criteria provided, single submitter. Criteria: ACMG Guidelines, 2015. Collection method: clinical testing. Allele origin: germline.
Comment: The BBS9 c.1910C>T variant is predicted to result in the amino acid substitution p.Ser637Leu. To our knowledge, this variant has not been reported in the literature. This variant is reported in 0.0058% of alleles in individuals of Latino descent in gnomAD. At this time, the clinical significance of this variant is uncertain due to the absence of conclusive functional and genetic evidence.

Labcorp Genetics (formerly Invitae), Labcorp
Classification: Uncertain significance for Bardet-Biedl syndrome. Last evaluated: 2023-08-10. Review status: criteria provided, single submitter. Criteria: Invitae Variant Classification Sherloc (09022015). Collection method: clinical testing. Allele origin: germline.
Comment: This variant has not been reported in the literature in individuals affected with BBS9-related conditions. ClinVar contains an entry for this variant (Variation ID: 360065). Advanced modeling of protein sequence and biophysical properties (such as structural, functional, and spatial information, amino acid conservation, physicochemical variation, residue mobility, and thermodynamic stability) performed at Invitae indicates that this missense variant is not expected to disrupt BBS9 protein function. In summary, the available evidence is currently insufficient to determine the role of this variant in disease. Therefore, it has been classified as a Variant of Uncertain Significance. This variant is present in population databases (rs771777721, gnomAD 0.006%). This sequence change replaces serine, which is neutral and polar, with leucine, which is neutral and non-polar, at codon 637 of the BBS9 protein (p.Ser637Leu).

Illumina Laboratory Services, Illumina
Classification: Uncertain significance for Bardet-Biedl syndrome 9. Last evaluated: 2018-01-12. Review status: criteria provided, single submitter. Criteria: ICSL Variant Classification Criteria 13 December 2019. Collection method: clinical testing. Allele origin: germline.

NM_198428.3(BBS9):c.1910C>T (p.Ser637Leu)

Gene: BBS9 (Bardet-Biedl syndrome 9; plus strand). Cytogenetic location: 7p14.3.
Variant type: single nucleotide variant.
Coding change: c.1910C>T on transcript NM_198428.3 (MANE Select); coding-DNA position 1910, C replaced by T.
Protein change: p.Ser637Leu; replaces serine 637 with leucine.
Molecular consequence: missense variant. On other transcripts: non-coding transcript variant (3).
Genome position (GRCh38, 1-based): chr7:33,383,786, C>T. VCF-style: chr7-33383786-C-T. GRCh37 (hg19) VCF-style: chr7-33423398-C-T.
Other names: c.1910C>T, p.Ser637Leu (NM_001348041.4, NM_001348043.3, NM_001362679.1 and 1 more transcripts); c.1775C>T, p.Ser592Leu (NM_001348042.3); c.1439C>T, p.Ser480Leu (NM_001348044.3); c.1544C>T, p.Ser515Leu (NM_001348045.3, NM_001348046.3, NM_001348037.3); c.1790C>T, p.Ser597Leu (NM_014451.4, NM_001348040.3); c.1805C>T, p.Ser602Leu (NM_001033604.2); c.1895C>T, p.Ser632Leu (NM_001033605.2); c.1637C>T, p.Ser546Leu (NM_001348038.3); and 1 more; short protein forms S637L, S597L, S632L, S480L, S602L, S511L, S515L, S546L.
Identifiers: ClinVar variation 360065 (VCV000360065.10), dbSNP rs771777721, ClinGen allele CA4214540.